The following is an entry in ClinVar:

NM_006642.5(SDCCAG8):c.849T>A (p.Cys283Ter)

Gene: SDCCAG8 (SHH signaling and ciliogenesis regulator SDCCAG8; plus strand). Cytogenetic location: 1q43.
Variant type: single nucleotide variant.
Coding change: c.849T>A on transcript NM_006642.5 (MANE Select); coding-DNA position 849, T replaced by A.
Protein change: p.Cys283Ter; replaces cysteine 283 with a stop codon.
Molecular consequence: nonsense. On other transcripts: 5 prime UTR variant (3).
Genome position (GRCh38, 1-based): chr1:243,308,097, T>A. VCF-style: chr1-243308097-T-A. GRCh37 (hg19) VCF-style: chr1-243471399-T-A.
Other names: c.-55T>A (NM_001350246.2, NM_001350247.2, NM_001350251.2); c.945T>A, p.Cys315Ter (NM_001350248.2); c.555T>A, p.Cys185Ter (NM_001350249.2); short protein forms C283*, C185*, C315*.
Identifiers: ClinVar variation 2009850 (VCV002009850.4), dbSNP rs2547886035, ClinGen allele CA345479194.

ClinVar aggregate classification (germline): Pathogenic (1 of 4 stars; one submission).

Conditions:
Senior-Loken syndrome 7 (SLSN7). Identifiers: Orphanet 3156, MedGen C3150877, MONDO:0013326, OMIM 613615.
Bardet-Biedl syndrome 16 (BBS16). Identifiers: Orphanet 110, MedGen C3889474, MONDO:0014444, OMIM 615993.

Submission:

Labcorp Genetics (formerly Invitae), Labcorp
Classification: Pathogenic for Bardet-Biedl syndrome 16; Senior-Loken syndrome 7. Last evaluated: 2022-06-23. Review status: criteria provided, single submitter. Criteria: Invitae Variant Classification Sherloc (09022015). Collection method: clinical testing. Allele origin: germline.
Comment: For these reasons, this variant has been classified as Pathogenic. This premature translational stop signal has been observed in individual(s) with clinical features of SDCCAG8-related conditions (PMID: 26968886). This variant is not present in population databases (gnomAD no frequency). This sequence change creates a premature translational stop signal (p.Cys283*) in the SDCCAG8 gene. It is expected to result in an absent or disrupted protein product. Loss-of-function variants in SDCCAG8 are known to be pathogenic (PMID: 20835237, 22190896).

Literature cited by the submitters: PubMed 26968886; PubMed 20835237; PubMed 22190896.